The following is an entry in ClinVar:

ClinVar aggregate classification (germline): Uncertain significance (1 of 4 stars; one submission).

Submission:

GeneDx
Classification: Uncertain significance. Last evaluated: 2022-08-19. Review status: criteria provided, single submitter. Criteria: GeneDx Variant Classification Process June 2021. Collection method: clinical testing. Allele origin: germline. Affected: yes.
Comment: Not observed at significant frequency in large population cohorts (gnomAD); In silico analysis supports that this missense variant has a deleterious effect on protein structure/function; Has not been previously published as pathogenic or benign to our knowledge

NM_014141.6(CNTNAP2):c.1700G>T (p.Gly567Val)

Gene: CNTNAP2 (contactin associated protein 2; plus strand). Cytogenetic location: 7q35.
Variant type: single nucleotide variant.
Coding change: c.1700G>T on transcript NM_014141.6 (MANE Select); coding-DNA position 1700, G replaced by T.
Protein change: p.Gly567Val; replaces glycine 567 with valine.
Molecular consequence: missense variant.
Genome position (GRCh38, 1-based): chr7:147,485,964, G>T. VCF-style: chr7-147485964-G-T. GRCh37 (hg19) VCF-style: chr7-147183056-G-T.
Other names: short protein forms G567V.
Identifiers: ClinVar variation 2430868 (VCV002430868.1), dbSNP rs1584764202, ClinGen allele CA369925858.